The following is an entry in ClinVar:

ClinVar aggregate classification (germline): Pathogenic (1 of 4 stars; one submission).

Submission:

Genetics Institute, Soroka Medical Center
Classification: Pathogenic. Last evaluated: 2026-11-02. Review status: criteria provided, single submitter. Criteria: ACMG/ClinGen CNV Guidelines, 2019. Collection method: clinical testing. Allele origin: maternal, germline. Inheritance: Autosomal dominant inheritance. Affected: yes. Observed: 2 variant alleles, 2 heterozygotes. Clinical features observed: Microcephaly (HP:0000252), Short stature (HP:0004322), Specific learning disability (HP:0001328), Decreased testicular size (HP:0008734), Hypergonadotropic hypogonadism (HP:0000815).
Comment: Heterozygous CCND2 variants predicted to result in loss of function have been associated with microcephaly, short stature, and developmental delay (PMID: 34087052). Overlapping deletions of approximately 1.60 Mb that encompass CCND2 have been reported in DECIPHER in individuals with microcephaly and global developmental delay. Together, these findings support the pathogenic classification of the deletion.

Literature cited by the submitters: PubMed 34087052.

GRCh37/hg19 12p13.32(chr12:3496525-5240343)x1

Genes: AKAP3 (A-kinase anchoring protein 3; minus strand), CCND2 (cyclin D2; plus strand), CRACR2A (calcium release activated channel regulator 2A; minus strand), DYRK4 (dual specificity tyrosine phosphorylation regulated kinase 4; plus strand), FERRY3 (FERRY endosomal RAB5 effector complex subunit 3; minus strand) and 11 more. Cytogenetic location: 12p13.32.
Variant type: copy number loss.
Change: copy number 1 (one copy instead of two) of chr12:3,496,525-5,240,343 (1.74 Mb, GRCh37 coordinates, 1-based), cytogenetic band 12p13.32.
Identifiers: ClinVar variation 5041960 (VCV005041960.1).